The following is an entry in ClinVar:

NM_018136.5(ASPM):c.5210C>A (p.Ala1737Glu)

Gene: ASPM (assembly factor for spindle microtubules; minus strand). Cytogenetic location: 1q31.3.
Variant type: single nucleotide variant.
Coding change: c.5210C>A on transcript NM_018136.5 (MANE Select); coding-DNA position 5210, C replaced by A.
Protein change: p.Ala1737Glu; replaces alanine 1737 with glutamic acid.
Molecular consequence: missense variant. On other transcripts: intron variant (1).
Genome position (GRCh38, 1-based): chr1:197,104,041, G>T on the plus strand (C>A on the coding strand, the complement: ASPM is on the minus strand). VCF-style: chr1-197104041-G-T. GRCh37 (hg19) VCF-style: chr1-197073171-G-T.
Other names: c.4066-7877C>A (NM_001206846.2); short protein forms A1737E.
Identifiers: ClinVar variation 2821306 (VCV002821306.3), dbSNP rs2527302481, ClinGen allele CA344027291.

ClinVar aggregate classification (germline): Uncertain significance (1 of 4 stars; one submission).

Submission:

Labcorp Genetics (formerly Invitae), Labcorp
Classification: Uncertain significance. Last evaluated: 2023-07-03. Review status: criteria provided, single submitter. Criteria: Invitae Variant Classification Sherloc (09022015). Collection method: clinical testing. Allele origin: germline.
Comment: Advanced modeling of protein sequence and biophysical properties (such as structural, functional, and spatial information, amino acid conservation, physicochemical variation, residue mobility, and thermodynamic stability) performed at Invitae indicates that this missense variant is not expected to disrupt ASPM protein function. This variant has not been reported in the literature in individuals affected with ASPM-related conditions. This variant is not present in population databases (gnomAD no frequency). This sequence change replaces alanine, which is neutral and non-polar, with glutamic acid, which is acidic and polar, at codon 1737 of the ASPM protein (p.Ala1737Glu). In summary, the available evidence is currently insufficient to determine the role of this variant in disease. Therefore, it has been classified as a Variant of Uncertain Significance.